The following is an entry in ClinVar:

ClinVar aggregate classification (germline): Uncertain significance (1 of 4 stars; one submission).

gnomAD v4.1: 4 of 1,613,824 alleles (0.00025%); highest among the groups gnomAD compares: African/African-American, 0.0013%; no homozygotes.

Submission:

Labcorp Genetics (formerly Invitae), Labcorp
Classification: Uncertain significance. Last evaluated: 2022-08-22. Review status: criteria provided, single submitter. Criteria: Invitae Variant Classification Sherloc (09022015). Collection method: clinical testing. Allele origin: germline.
Comment: This sequence change replaces threonine, which is neutral and polar, with lysine, which is basic and polar, at codon 3401 of the LRP2 protein (p.Thr3401Lys). This variant is not present in population databases (gnomAD no frequency). This variant has not been reported in the literature in individuals affected with LRP2-related conditions. ClinVar contains an entry for this variant (Variation ID: 1350622). Algorithms developed to predict the effect of missense changes on protein structure and function (SIFT, PolyPhen-2, Align-GVGD) all suggest that this variant is likely to be disruptive. In summary, the available evidence is currently insufficient to determine the role of this variant in disease. Therefore, it has been classified as a Variant of Uncertain Significance.

NM_004525.3(LRP2):c.10202C>A (p.Thr3401Lys)

Gene: LRP2 (LDL receptor related protein 2; minus strand). Cytogenetic location: 2q31.1.
Variant type: single nucleotide variant.
Coding change: c.10202C>A on transcript NM_004525.3 (MANE Select); coding-DNA position 10202, C replaced by A.
Protein change: p.Thr3401Lys; replaces threonine 3401 with lysine.
Molecular consequence: missense variant.
Genome position (GRCh38, 1-based): chr2:169,177,994, G>T on the plus strand (C>A on the coding strand, the complement: LRP2 is on the minus strand). VCF-style: chr2-169177994-G-T. GRCh37 (hg19) VCF-style: chr2-170034504-G-T.
Other names: short protein forms T3401K.
Identifiers: ClinVar variation 1350622 (VCV001350622.3), dbSNP rs200563635, ClinGen allele CA349149618.